The following is an entry in ClinVar:

ClinVar aggregate classification (germline): Uncertain significance (1 of 4 stars; one submission).

Conditions:
Vitamin D-dependent rickets, type 3. Identifiers: MedGen C5436733, MONDO:0033640, OMIM 619073.

gnomAD v4.1: 806 of 1,605,156 alleles (0.05%); highest among the groups gnomAD compares: Non-Finnish European, 0.064%; 1 homozygote.

Submission:

Rare Kidney Stone Consortium and the Mayo Clinic Hyperoxaluria Center, Mayo Clinic
Classification: Uncertain significance for Vitamin D-dependent rickets, type 3. Last evaluated: 2025-10-03. Review status: criteria provided, single submitter. Criteria: ACMG Guidelines, 2015. Collection method: research. Allele origin: germline. Observed: 1 variant allele.
Comment: ACMG:PM2, PP3

Literature cited by the submitters: PubMed 40794449.

NM_017460.6(CYP3A4):c.166-10C>A

Gene: CYP3A4 (cytochrome P450 family 3 subfamily A member 4; minus strand). Cytogenetic location: 7q22.1.
Variant type: single nucleotide variant.
Coding change: c.166-10C>A on transcript NM_017460.6 (MANE Select); 10 bases into the intron before coding-DNA position 166, C replaced by A.
Molecular consequence: intron variant.
Genome position (GRCh38, 1-based): chr7:99,778,090, G>T on the plus strand (C>A on the coding strand, the complement: CYP3A4 is on the minus strand). VCF-style: chr7-99778090-G-T. GRCh37 (hg19) VCF-style: chr7-99375713-G-T.
Other names: c.166-10C>A (NM_001202855.3).
Identifiers: ClinVar variation 4526859 (VCV004526859.1).